The following is an entry in ClinVar:

ClinVar aggregate classification (germline): Uncertain significance. Review status: criteria provided, multiple submitters, no conflicts (2 of 4 stars). 2 submissions from 2 submitters: Uncertain significance (2). Last evaluated 2025-01-22.

Allele frequency attached by ClinVar (database versions not stated): gnomAD exomes below 0.00001; TOPMed below 0.00001.

Submissions (2):

Ambry Genetics
Classification: Uncertain significance. Last evaluated: 2025-01-22. Review status: criteria provided, single submitter. Criteria: Ambry Variant Classification Scheme 2023. Collection method: clinical testing. Allele origin: germline.

Labcorp Genetics (formerly Invitae), Labcorp
Classification: Uncertain significance. Last evaluated: 2024-04-13. Review status: criteria provided, single submitter. Criteria: Invitae Variant Classification Sherloc (09022015). Collection method: clinical testing. Allele origin: germline.
Comment: This sequence change replaces tyrosine, which is neutral and polar, with cysteine, which is neutral and slightly polar, at codon 94 of the GINS1 protein (p.Tyr94Cys). This variant is not present in population databases (gnomAD no frequency). This variant has not been reported in the literature in individuals affected with GINS1-related conditions. ClinVar contains an entry for this variant (Variation ID: 1503162). Algorithms developed to predict the effect of missense changes on protein structure and function output the following: SIFT: "Not Available"; PolyPhen-2: "Benign"; Align-GVGD: "Not Available". The cysteine amino acid residue is found in multiple mammalian species, which suggests that this missense change does not adversely affect protein function. In summary, the available evidence is currently insufficient to determine the role of this variant in disease. Therefore, it has been classified as a Variant of Uncertain Significance.

NM_021067.5(GINS1):c.281A>G (p.Tyr94Cys)

Gene: GINS1 (GINS complex subunit 1; plus strand). Cytogenetic location: 20p11.21.
Variant type: single nucleotide variant.
Coding change: c.281A>G on transcript NM_021067.5 (MANE Select); coding-DNA position 281, A replaced by G.
Protein change: p.Tyr94Cys; replaces tyrosine 94 with cysteine.
Molecular consequence: missense variant. On other transcripts: non-coding transcript variant (1).
Genome position (GRCh38, 1-based): chr20:25,418,146, A>G. VCF-style: chr20-25418146-A-G. GRCh37 (hg19) VCF-style: chr20-25398782-A-G.
Other names: c.281A>G (NM_021067.3); short protein forms Y94C.
Identifiers: ClinVar variation 1503162 (VCV001503162.7), dbSNP rs2090333009, ClinGen allele CA408448100.